The following is an entry in ClinVar:

NM_000327.4(ROM1):c.64_69del (p.Trp22_Leu23del)

Gene: ROM1 (retinal outer segment membrane protein 1; plus strand). Cytogenetic location: 11q12.3.
Variant type: Deletion.
Coding change: c.64_69del on transcript NM_000327.4 (MANE Select); coding-DNA positions 64 to 69, 6 bases deleted (TGGCTC; older notation c.64_69delTGGCTC).
Protein change: p.Trp22_Leu23del.
Molecular consequence: inframe deletion.
Genome position (GRCh38, 1-based): chr11:62,613,345-62,613,350, TGGCTC deleted; deleting any 6 consecutive bases within chr11:62,613,340-62,613,350 gives the same sequence; the c. name uses the placement nearest the transcript's 3' end. VCF-style (leftmost placement, unchanged base first): chr11-62613339-GGGCTCT-G. GRCh37 (hg19) VCF-style: chr11-62380811-GGGCTCT-G.
Identifiers: ClinVar variation 2818923 (VCV002818923.3), dbSNP rs755995434, ClinGen allele CA6049635.
Genomic context (GRCh38, chr11:62,613,339, plus strand): 5'-GAGATGGCGCCGGTGTTGCCCCTGGTGCTGCCCCTGCAGCCCCGCATCCGCCTGGCACAA[GGGCTCT>G]GGCTCCTCTCCTGGCTGCTGGCGCTGGCTGGTGGCGTCATCCTCCTCTGTAGTGGGCACC-3'

ClinVar aggregate classification (germline): Uncertain significance (1 of 4 stars; one submission).

Submission:

Labcorp Genetics (formerly Invitae), Labcorp
Classification: Uncertain significance. Last evaluated: 2023-06-03. Review status: criteria provided, single submitter. Criteria: Invitae Variant Classification Sherloc (09022015). Collection method: clinical testing. Allele origin: germline.
Comment: In summary, the available evidence is currently insufficient to determine the role of this variant in disease. Therefore, it has been classified as a Variant of Uncertain Significance. Experimental studies and prediction algorithms are not available or were not evaluated, and the functional significance of this variant is currently unknown. This variant has not been reported in the literature in individuals affected with ROM1-related conditions. This variant is present in population databases (rs755995434, gnomAD 0.0009%). This variant, c.64_69del, results in the deletion of 2 amino acid(s) of the ROM1 protein (p.Trp22_Leu23del), but otherwise preserves the integrity of the reading frame.